The following is an entry in ClinVar:

ClinVar aggregate classification (germline): Uncertain significance (1 of 4 stars; one submission).

Conditions:
BAP1-related tumor predisposition syndrome (TPDS1). Also called: Tumor susceptibility linked to germline BAP1 mutations; COMMON Syndrome; TUMOR PREDISPOSITION SYNDROME 1; BAP1 tumor predisposition syndrome. Identifiers: Orphanet 289539, MedGen C3280492, MONDO:0013692, OMIM 614327.

Submission:

Labcorp Genetics (formerly Invitae), Labcorp
Classification: Uncertain significance for BAP1-related tumor predisposition syndrome. Last evaluated: 2024-04-04. Review status: criteria provided, single submitter. Criteria: Invitae Variant Classification Sherloc (09022015). Collection method: clinical testing. Allele origin: germline.
Comment: This sequence change replaces lysine, which is basic and polar, with methionine, which is neutral and non-polar, at codon 3 of the BAP1 protein (p.Lys3Met). This variant is not present in population databases (gnomAD no frequency). This variant has not been reported in the literature in individuals affected with BAP1-related conditions. Advanced modeling of protein sequence and biophysical properties (such as structural, functional, and spatial information, amino acid conservation, physicochemical variation, residue mobility, and thermodynamic stability) has been performed at Invitae for this missense variant, however the output from this modeling did not meet the statistical confidence thresholds required to predict the impact of this variant on BAP1 protein function. In summary, the available evidence is currently insufficient to determine the role of this variant in disease. Therefore, it has been classified as a Variant of Uncertain Significance.

NM_004656.4(BAP1):c.8A>T (p.Lys3Met)

Gene: BAP1 (BRCA1 associated deubiquitinase 1; minus strand). Cytogenetic location: 3p21.1.
Variant type: single nucleotide variant.
Coding change: c.8A>T on transcript NM_004656.4 (MANE Select); coding-DNA position 8, A replaced by T.
Protein change: p.Lys3Met; replaces lysine 3 with methionine.
Molecular consequence: missense variant.
Genome position (GRCh38, 1-based): chr3:52,409,871, T>A on the plus strand (A>T on the coding strand, the complement: BAP1 is on the minus strand). VCF-style: chr3-52409871-T-A. GRCh37 (hg19) VCF-style: chr3-52443887-T-A.
Other names: c.8A>T, p.Lys3Met (NM_001410772.1); short protein forms K3M.
Identifiers: ClinVar variation 3648761 (VCV003648761.2).
Genomic context (GRCh38, chr3:52,409,871, plus strand): 5'-CAGCCCCTGGCCCTCCCGGTCCCCTCCTCACCTGGGTCGCTCTCCAGCTCCAGCCAGCCC[T>A]TATTCATCTTCCCGCGGGGCGGCCCCTCAGCGCCATGTCCAGGCCCTCCCTCCCCACCGC-3'
Protein context (NP_004647.1, residues 1-13): MN[Lys3Met]GWLELESDPG